The following is an entry in ClinVar:

NM_001368894.2(PAX6):c.289G>T (p.Val97Phe)

Gene: PAX6 (paired box 6; minus strand). Cytogenetic location: 11p13.
Variant type: single nucleotide variant.
Coding change: c.289G>T on transcript NM_001368894.2 (MANE Select); coding-DNA position 289, G replaced by T.
Protein change: p.Val97Phe; replaces valine 97 with phenylalanine.
Molecular consequence: missense variant. On other transcripts: intron variant (8), 5 prime UTR variant (14), non-coding transcript variant (2).
Genome position (GRCh38, 1-based): chr11:31,801,671, C>A on the plus strand (G>T on the coding strand, the complement: PAX6 is on the minus strand). VCF-style: chr11-31801671-C-A. GRCh37 (hg19) VCF-style: chr11-31823219-C-A.
Other names: c.198+91G>T (NM_001368926.2, NM_001368927.2, NM_001368922.2 and 4 more transcripts); c.156+91G>T (NM_001368928.2); c.247G>T, p.Val83Phe (NM_001127612.3, NM_001258464.2, NM_001258465.3 and 10 more transcripts); c.289G>T, p.Val97Phe (NM_001258462.3, NM_001258463.2, NM_001310158.2 and 6 more transcripts); c.-493G>T (NM_001310160.2, NM_001368902.2, NM_001368905.2); c.-162G>T (NM_001310161.3, NM_001368899.2, NM_001368900.2 and 8 more transcripts); c.490G>T, p.Val164Phe (NM_001368910.2); c.292G>T, p.Val98Phe (NM_001368911.2); and 2 more; short protein forms V108F, V122F, V164F, V83F, V97F, V98F.
Identifiers: ClinVar variation 5021098 (VCV005021098.1).

ClinVar aggregate classification (germline): Likely pathogenic (1 of 4 stars; one submission).

Conditions:
Albinism or congenital nystagmus.

Submission:

North West Genomic Laboratory Hub, Manchester University NHS Foundation Trust
Classification: Likely pathogenic for Albinism or congenital nystagmus. Last evaluated: 2026-10-16. Review status: criteria provided, single submitter. Criteria: ACGS Best Practice Guidelines for Variant Classification in Rare Disease 2024. Collection method: clinical testing. Allele origin: germline. Affected: yes.
Comment: PM1_Mod PS4_Mod PP3_Supp PS3_Supp PM2_Mod